The following is an entry in ClinVar:

ClinVar aggregate classification (germline): Likely benign (1 of 4 stars; one submission).

Conditions:
Hyperglycinuria. Also called: GLYCINURIA WITH OR WITHOUT OXALATE NEPHROLITHIASIS; GLYCINURIA WITH OR WITHOUT OXALATE UROLITHIASIS; IMINOGLYCINURIA TYPE II. Identifiers: MedGen C0543541, MONDO:0007677, OMIM 138500, HP:0003108.

Allele frequency attached by ClinVar (database versions not stated): ESP Exome Variant Server 0.00023; gnomAD 0.00066 and 0.00186; TOPMed 0.00094; gnomAD exomes 0.00218 and 0.00481; ExAC 0.00529; 1000 Genomes Project 30x 0.01280; 1000 Genomes Project 0.01418.
gnomAD v4.1: 3,608 of 1,614,162 alleles (0.22%); highest among the groups gnomAD compares: South Asian, 2.5%; 56 homozygotes.

Submission:

Illumina Laboratory Services, Illumina
Classification: Likely benign for Hyperglycinuria. Last evaluated: 2018-01-13. Review status: criteria provided, single submitter. Criteria: ICSL Variant Classification Criteria 13 December 2019. Collection method: clinical testing. Allele origin: germline.
Comment: This variant was observed in the ICSL laboratory as part of a predisposition screen in an ostensibly healthy population. It had not been previously curated by ICSL or reported in the Human Gene Mutation Database (HGMD: prior to June 1st, 2018), and was therefore a candidate for classification through an automated scoring system. Utilizing variant allele frequency, disease prevalence and penetrance estimates, and inheritance mode, an automated score was calculated to assess if this variant is too frequent to cause the disease. Based on the score and internal cut-off values, a variant classified as likely benign is not then subjected to further curation. The score for this variant resulted in a classification of likely benign for this disease.

NM_020208.4(SLC6A20):c.1086G>A (p.Ser362=)

Gene: SLC6A20 (solute carrier family 6 member 20; minus strand). Cytogenetic location: 3p21.31.
Variant type: single nucleotide variant.
Coding change: c.1086G>A on transcript NM_020208.4 (MANE Select); coding-DNA position 1086, G replaced by A.
Protein change: p.Ser362=; no amino-acid change (serine 362 retained).
Molecular consequence: synonymous variant.
Genome position (GRCh38, 1-based): chr3:45,770,221, C>T on the plus strand (G>A on the coding strand, the complement: SLC6A20 is on the minus strand). VCF-style: chr3-45770221-C-T. GRCh37 (hg19) VCF-style: chr3-45811713-C-T.
Other names: c.975G>A, p.Ser325= (NM_022405.4).
Identifiers: ClinVar variation 345404 (VCV000345404.5), dbSNP rs139940581, ClinGen allele CA2351426.